The following is an entry in ClinVar:

NM_006766.5(KAT6A):c.5645_5646delinsGCTGGCCGTA (p.Val1882fs)

Gene: KAT6A (lysine acetyltransferase 6A; minus strand). Cytogenetic location: 8p11.21.
Variant type: Indel.
Coding change: c.5645_5646delinsGCTGGCCGTA on transcript NM_006766.5 (MANE Select); coding-DNA positions 5645 to 5646, TT replaced by GCTGGCCGTA.
Protein change: p.Val1882fs; shifts the reading frame from valine 1882.
Molecular consequence: frameshift variant.
Genome position (GRCh38, 1-based): chr8:41,932,574-41,932,575, AA replaced by TACGGCCAGC on the plus strand (TT replaced by GCTGGCCGTA on the coding strand, the reverse complement: KAT6A is on the minus strand). VCF-style: chr8-41932574-AA-TACGGCCAGC. GRCh37 (hg19) VCF-style: chr8-41790092-AA-TACGGCCAGC.
Other names: c.5645_5646delTTinsGCTGGCCGTA (NM_006766.3); short protein forms V1882fs.
Identifiers: ClinVar variation 817979 (VCV000817979.2), dbSNP rs1587705905, ClinGen allele CA915945662.

ClinVar aggregate classification (germline): Likely pathogenic (1 of 4 stars; one submission).

Submission:

GeneDx
Classification: Likely pathogenic. Last evaluated: 2020-05-26. Review status: criteria provided, single submitter. Criteria: GeneDx Variant Classification Process June 2021. Collection method: clinical testing. Allele origin: germline. Affected: yes.
Comment: Not observed in large population cohorts (Lek et al., 2016); Has not been previously published as pathogenic or benign to our knowledge